The following is an entry in ClinVar:

ClinVar aggregate classification (germline): Uncertain significance (1 of 4 stars; one submission).

Submission:

GeneDx
Classification: Uncertain significance. Last evaluated: 2025-06-09. Review status: criteria provided, single submitter. Criteria: GeneDx Variant Classification Process June 2021. Collection method: clinical testing. Allele origin: germline. Affected: yes.
Comment: Not observed at significant frequency in large population cohorts (gnomAD); In silico analysis supports that this missense variant has a deleterious effect on protein structure/function; Has not been previously published as pathogenic or benign to our knowledge; This variant is associated with the following publications: (PMID: 12070251)

NM_004380.3(CREBBP):c.5093A>G (p.Gln1698Arg)

Gene: CREBBP (CREB binding lysine acetyltransferase; minus strand). Cytogenetic location: 16p13.3.
Variant type: single nucleotide variant.
Coding change: c.5093A>G on transcript NM_004380.3 (MANE Select); coding-DNA position 5093, A replaced by G.
Protein change: p.Gln1698Arg; replaces glutamine 1698 with arginine.
Molecular consequence: missense variant.
Genome position (GRCh38, 1-based): chr16:3,731,271, T>C on the plus strand (A>G on the coding strand, the complement: CREBBP is on the minus strand). VCF-style: chr16-3731271-T-C. GRCh37 (hg19) VCF-style: chr16-3781272-T-C.
Other names: c.4979A>G, p.Gln1660Arg (NM_001079846.1); short protein forms Q1660R, Q1698R.
Identifiers: ClinVar variation 4538121 (VCV004538121.1).